The following is an entry in ClinVar:

ClinVar aggregate classification (germline): Pathogenic (1 of 4 stars; one submission).

Allele frequency attached by ClinVar (database versions not stated): TOPMed below 0.00001; gnomAD 0.00001.
gnomAD v4.1: 1 of 1,613,314 alleles (0.000062%); highest among the groups gnomAD compares: Non-Finnish European, 0.000085%; no homozygotes.

Submission:

Labcorp Genetics (formerly Invitae), Labcorp
Classification: Pathogenic. Last evaluated: 2023-12-19. Review status: criteria provided, single submitter. Criteria: Invitae Variant Classification Sherloc (09022015). Collection method: clinical testing. Allele origin: germline.
Comment: This sequence change creates a premature translational stop signal (p.Gln1227*) in the ADGRV1 gene. It is expected to result in an absent or disrupted protein product. Loss-of-function variants in ADGRV1 are known to be pathogenic (PMID: 19357117, 22135276, 22147658, 26226137, 30718709, 31047384, 32467589). This variant is not present in population databases (gnomAD no frequency). This variant has not been reported in the literature in individuals affected with ADGRV1-related conditions. For these reasons, this variant has been classified as Pathogenic.

Literature cited by the submitters: PubMed 19357117; PubMed 22135276; PubMed 22147658; PubMed 26226137; PubMed 30718709; PubMed 31047384; PubMed 32467589.

NM_032119.4(ADGRV1):c.3679C>T (p.Gln1227Ter)

Gene: ADGRV1 (adhesion G protein-coupled receptor V1; plus strand). Cytogenetic location: 5q14.3.
Variant type: single nucleotide variant.
Coding change: c.3679C>T on transcript NM_032119.4 (MANE Select); coding-DNA position 3679, C replaced by T.
Protein change: p.Gln1227Ter; replaces glutamine 1227 with a stop codon.
Molecular consequence: nonsense. On other transcripts: non-coding transcript variant (1).
Genome position (GRCh38, 1-based): chr5:90,653,253, C>T. VCF-style: chr5-90653253-C-T. GRCh37 (hg19) VCF-style: chr5-89949070-C-T.
Other names: short protein forms Q1227*.
Identifiers: ClinVar variation 2704163 (VCV002704163.3), dbSNP rs1170578408, ClinGen allele CA360398358.
Genomic context (GRCh38, chr5:90,653,253, plus strand): 5'-AATTTTCTTGTTACAGGTGGATCCCCAGGTCCTGGGGGCCAGCTAGCAGAAACCAACCTC[C>T]AGGTGACAGTAATGGTTCCATTCAATGATGATCCCTTTGGAGTTTTTATCTTGGATCCAG-3'